The following is an entry in ClinVar:

ClinVar aggregate classification (germline): Likely benign. Review status: criteria provided, multiple submitters, no conflicts (2 of 4 stars). 2 submissions from 2 submitters: Likely benign (2). Last evaluated 2024-09-10.

Allele frequency attached by ClinVar (database versions not stated): ExAC 0.00010; 1000 Genomes Project 30x 0.00016; gnomAD 0.00020.
gnomAD v4.1: 179 of 1,613,016 alleles (0.011%); highest among the groups gnomAD compares: Middle Eastern, 0.13%; no homozygotes.

Submissions (2):

Blueprint Genetics
Classification: Likely benign. Last evaluated: 2024-09-10. Review status: criteria provided, single submitter. Criteria: ACMG Guidelines, 2015. Collection method: clinical testing. Allele origin: germline.

CeGaT Center for Human Genetics Tuebingen
Classification: Likely benign. Last evaluated: 2023-11-01. Review status: criteria provided, single submitter. Criteria: CeGaT Center For Human Genetics Tuebingen Variant Classification Criteria Version 2. Collection method: clinical testing. Allele origin: germline. Affected: yes. Observed: 3 variant alleles.
Comment: FLG: BP4, BP7

NM_002016.2(FLG):c.11064T>C (p.His3688=)

Genes: CCDST (cervical cancer associated DHX9 suppressive transcript; plus strand), FLG (filaggrin; minus strand). Cytogenetic location: 1q21.3.
Variant type: single nucleotide variant.
Coding change: c.11064T>C on transcript NM_002016.2 (MANE Select); coding-DNA position 11064, T replaced by C.
Protein change: p.His3688=; no amino-acid change (histidine 3688 retained).
Molecular consequence: synonymous variant.
Genome position (GRCh38, 1-based): chr1:152,303,822, A>G on the plus strand (T>C on the coding strand, the complement: FLG is on the minus strand). VCF-style: chr1-152303822-A-G. GRCh37 (hg19) VCF-style: chr1-152276298-A-G.
Identifiers: ClinVar variation 2639228 (VCV002639228.25), dbSNP rs200177920, ClinGen allele CA1103069.
Genomic context (GRCh38, chr1:152,303,822, plus strand): 5'-CCCTGAACGTCCAGACCTTCCTGCTGACCGGCCACGTGTGGACTCTTGGTGGCTCTGCTG[A>G]TGGGGCCCAGCCTGTCCGTGGGCTGACACTGACTGTGTGTCTGAGTCTTCTGAATGTCCC-3'
Protein context (NP_002007.1, residues 3678-3698): SVSAHGQAGP[His3688=]QQSHQESTRG